The following is an entry in ClinVar:

ClinVar aggregate classification (germline): Uncertain significance (1 of 4 stars; one submission).

Conditions:
Idiopathic generalized epilepsy. Also called: EIG; Generalised epilepsy. Identifiers: MedGen C0270850, MONDO:0005579, OMIM 600669.

Allele frequency attached by ClinVar (database versions not stated): TOPMed below 0.00001; gnomAD 0.00001; gnomAD exomes 0.00001; ExAC 0.00002.

Submission:

Labcorp Genetics (formerly Invitae), Labcorp
Classification: Uncertain significance for Idiopathic generalized epilepsy. Last evaluated: 2022-08-20. Review status: criteria provided, single submitter. Criteria: Invitae Variant Classification Sherloc (09022015). Collection method: clinical testing. Allele origin: germline.
Comment: This sequence change replaces alanine, which is neutral and non-polar, with threonine, which is neutral and polar, at codon 424 of the GABRD protein (p.Ala424Thr). In summary, the available evidence is currently insufficient to determine the role of this variant in disease. Therefore, it has been classified as a Variant of Uncertain Significance. Algorithms developed to predict the effect of missense changes on protein structure and function are either unavailable or do not agree on the potential impact of this missense change (SIFT: "Tolerated"; PolyPhen-2: "Probably Damaging"; Align-GVGD: "Class C0"). ClinVar contains an entry for this variant (Variation ID: 1034474). This variant has not been reported in the literature in individuals affected with GABRD-related conditions. The frequency data for this variant in the population databases is considered unreliable, as metrics indicate poor data quality at this position in the gnomAD database.

NM_000815.5(GABRD):c.1270G>A (p.Ala424Thr)

Gene: GABRD (gamma-aminobutyric acid type A receptor subunit delta; plus strand). Cytogenetic location: 1p36.33.
Variant type: single nucleotide variant.
Coding change: c.1270G>A on transcript NM_000815.5 (MANE Select); coding-DNA position 1270, G replaced by A.
Protein change: p.Ala424Thr; replaces alanine 424 with threonine.
Molecular consequence: missense variant.
Genome position (GRCh38, 1-based): chr1:2,030,193, G>A. VCF-style: chr1-2030193-G-A. GRCh37 (hg19) VCF-style: chr1-1961632-G-A.
Other names: short protein forms A424T.
Identifiers: ClinVar variation 1034474 (VCV001034474.8), dbSNP rs770260377, ClinGen allele CA534962.
Genomic context (GRCh38, chr1:2,030,193, plus strand): 5'-GAGGGGGCAGCCCGCTCAGGAGGCCAGGGGGGCATCCGTGCCCGGCTCAGGCCCATCGAC[G>A]CAGACACCATTGACATTTACGCCCGCGCTGTGTTCCCTGCGGCGTTTGCGGCCGTCAATG-3'
Protein context (NP_000806.2, residues 414-434): GIRARLRPID[Ala424Thr]DTIDIYARAV